The following is an entry in ClinVar:

NM_145698.5(ACBD5):c.1204+3G>A

Gene: ACBD5 (acyl-CoA binding domain containing 5; minus strand). Cytogenetic location: 10p12.1.
Variant type: single nucleotide variant.
Coding change: c.1204+3G>A on transcript NM_145698.5 (MANE Select); 3 bases into the intron after coding-DNA position 1204, G replaced by A.
Molecular consequence: intron variant.
Genome position (GRCh38, 1-based): chr10:27,210,811, C>T on the plus strand (G>A on the coding strand, the complement: ACBD5 is on the minus strand). VCF-style: chr10-27210811-C-T. GRCh37 (hg19) VCF-style: chr10-27499740-C-T.
Other names: c.1204+3G>A (NM_001352570.1); c.877+3G>A (NM_001301253.2, NM_001301251.2, NM_001352583.1 and 2 more transcripts); c.1045+3G>A (NM_001352580.2); c.1099+3G>A (NM_001352577.2, NM_001042473.4, NM_001352578.2 and 1 more transcripts); c.1132+3G>A (NM_001352575.2, NM_001352574.2, NM_001352576.2); c.895+3G>A (NM_001352582.2); c.910+3G>A (NM_001352585.1); c.1225+3G>A (NM_001352572.1); and 10 more.
Identifiers: ClinVar variation 958179 (VCV000958179.5), dbSNP rs755904341, ClinGen allele CA5450723.

ClinVar aggregate classification (germline): Uncertain significance (1 of 4 stars; one submission).

Allele frequency attached by ClinVar (database versions not stated): ExAC 0.00001; gnomAD 0.00001; gnomAD exomes 0.00001 and 0.00002; TOPMed 0.00001.
gnomAD v4.1: 11 of 1,614,034 alleles (0.00068%); highest among the groups gnomAD compares: Admixed American, 0.013%; no homozygotes.

Submission:

Labcorp Genetics (formerly Invitae), Labcorp
Classification: Uncertain significance. Last evaluated: 2022-10-13. Review status: criteria provided, single submitter. Criteria: Invitae Variant Classification Sherloc (09022015). Collection method: clinical testing. Allele origin: germline.
Comment: This sequence change falls in intron 9 of the ACBD5 gene. It does not directly change the encoded amino acid sequence of the ACBD5 protein. It affects a nucleotide within the consensus splice site. This variant is present in population databases (rs755904341, gnomAD 0.01%). This variant has not been reported in the literature in individuals affected with ACBD5-related conditions. ClinVar contains an entry for this variant (Variation ID: 958179). Variants that disrupt the consensus splice site are a relatively common cause of aberrant splicing (PMID: 17576681, 9536098). Algorithms developed to predict the effect of sequence changes on RNA splicing suggest that this variant is not likely to affect RNA splicing. In summary, the available evidence is currently insufficient to determine the role of this variant in disease. Therefore, it has been classified as a Variant of Uncertain Significance.

Literature cited by the submitters: PubMed 17576681; PubMed 9536098.